The following is an entry in ClinVar:

ClinVar aggregate classification (germline): Conflicting classifications of pathogenicity. Review status: criteria provided, conflicting classifications (1 of 4 stars). 3 submissions from 3 submitters: Likely pathogenic (2); Uncertain significance (1). Last evaluated 2025-11-26.

Conditions:
Familial adenomatous polyposis 4 (FAP4). Also called: MSH3-related attenuated familial adenomatous polyposis. Identifiers: Orphanet 480536, MedGen C4310719, MONDO:0044300, OMIM 617100.
Hereditary cancer-predisposing syndrome. Also called: Hereditary Cancer Syndrome; Tumor predisposition; Hereditary neoplastic syndrome; Neoplastic Syndromes, Hereditary. Identifiers: Orphanet 140162, MedGen C0027672, MeSH D009386, MONDO:0015356.

Allele frequency attached by ClinVar (database versions not stated): gnomAD exomes below 0.00001; TOPMed below 0.00001; ExAC 0.00001; gnomAD 0.00001.
gnomAD v4.1: 2 of 1,613,654 alleles (0.00012%); highest among the groups gnomAD compares: African/African-American, 0.0013%; no homozygotes.

Submissions (3):

Ambry Genetics
Classification: Uncertain significance for Hereditary cancer-predisposing syndrome. Last evaluated: 2025-11-26. Review status: criteria provided, single submitter. Criteria: Ambry Variant Classification Scheme 2023. Collection method: clinical testing. Allele origin: germline.
Comment: The c.792+1G>A intronic variant results from a G to A substitution one nucleotide after coding exon 4 of the MSH3 gene. Alterations that disrupt the canonical splice site are expected to result in aberrant splicing. In silico splice site analysis predicts that this alteration will weaken the native splice acceptor site. The resulting transcript is predicted to be in-frame and is not expected to trigger nonsense-mediated mRNAdecay. RNA studies have demonstrated that this alteration results in a transcript predicted to lead to a protein with an in-frame deletion of 71 amino acids; however, the exact functional impact of the deleted amino acids is unknown at this time (Ambry internal data). This nucleotide position is highly conserved in available vertebrate species. Since supporting evidence is limited at this time, the clinical significance of this alteration remains unclear.

Myriad Genetics, Inc.
Classification: Likely pathogenic for Familial adenomatous polyposis 4. Last evaluated: 2023-08-29. Review status: criteria provided, single submitter. Criteria: Myriad Autosomal Dominant, Autosomal Recessive and X-Linked Classification Criteria (2023). Collection method: clinical testing. Allele origin: unknown.
Comment: This variant is considered likely pathogenic. This variant occurs within a consensus splice junction and is predicted to result in abnormal mRNA splicing of either an out-of-frame exon or an in-frame exon necessary for protein stability and/or normal function.

Labcorp Genetics (formerly Invitae), Labcorp
Classification: Likely pathogenic. Last evaluated: 2022-01-26. Review status: criteria provided, single submitter. Criteria: Invitae Variant Classification Sherloc (09022015). Collection method: clinical testing. Allele origin: germline.
Comment: This variant has not been reported in the literature in individuals affected with MSH3-related conditions. ClinVar contains an entry for this variant (Variation ID: 647849). Algorithms developed to predict the effect of sequence changes on RNA splicing suggest that this variant may disrupt the consensus splice site. In summary, the currently available evidence indicates that the variant is pathogenic, but additional data are needed to prove that conclusively. Therefore, this variant has been classified as Likely Pathogenic. This variant is present in population databases (rs749929790, gnomAD 0.0009%). This sequence change affects a donor splice site in intron 4 of the MSH3 gene. It is expected to disrupt RNA splicing. Variants that disrupt the donor or acceptor splice site typically lead to a loss of protein function (PMID: 16199547), and loss-of-function variants in MSH3 are known to be pathogenic (PMID: 27476653).

Literature cited by the submitters: PubMed 16199547 (cited by Labcorp Genetics (formerly Invitae), Labcorp); PubMed 27476653 (cited by Labcorp Genetics (formerly Invitae), Labcorp).

NM_002439.5(MSH3):c.792+1G>A

Gene: MSH3 (mutS homolog 3; plus strand). Cytogenetic location: 5q14.1.
Variant type: single nucleotide variant.
Coding change: c.792+1G>A on transcript NM_002439.5 (MANE Select); the canonical splice donor site of the intron after coding-DNA position 792, G replaced by A.
Molecular consequence: splice donor variant.
Genome position (GRCh38, 1-based): chr5:80,670,310, G>A. VCF-style: chr5-80670310-G-A. GRCh37 (hg19) VCF-style: chr5-79966129-G-A.
Other names: c.792+1G>A (NM_002439.3).
Identifiers: ClinVar variation 647849 (VCV000647849.12), dbSNP rs749929790, ClinGen allele CA3327697.